The following is an entry in ClinVar:

ClinVar aggregate classification (germline): Uncertain significance (1 of 4 stars; one submission).

Submission:

Ambry Genetics
Classification: Uncertain significance. Last evaluated: 2025-08-30. Review status: criteria provided, single submitter. Criteria: Ambry Variant Classification Scheme 2023. Collection method: clinical testing. Allele origin: germline.
Comment: The p.K42I variant (also known as c.125A>T), located in coding exon 1 of the GEN1 gene, results from an A to T substitution at nucleotide position 125. The lysine at codon 42 is replaced by isoleucine, an amino acid with dissimilar properties. This amino acid position is conserved. In addition, this alteration is predicted to be tolerated by in silico analysis. Based on the available evidence, the clinical significance of this variant remains unclear.

NM_001130009.3(GEN1):c.125A>T (p.Lys42Ile)

Gene: GEN1 (GEN1 Holliday junction 5' flap endonuclease; plus strand). Cytogenetic location: 2p24.2.
Variant type: single nucleotide variant.
Coding change: c.125A>T on transcript NM_001130009.3 (MANE Select); coding-DNA position 125, A replaced by T.
Protein change: p.Lys42Ile; replaces lysine 42 with isoleucine.
Molecular consequence: missense variant.
Genome position (GRCh38, 1-based): chr2:17,760,068, A>T. VCF-style: chr2-17760068-A-T. GRCh37 (hg19) VCF-style: chr2-17941335-A-T.
Other names: c.125A>T, p.Lys42Ile (NM_182625.5); short protein forms K42I.
Identifiers: ClinVar variation 4263111 (VCV004263111.1).